The following is an entry in ClinVar:

NM_000276.4(OCRL):c.809A>G (p.Asp270Gly)

Gene: OCRL (OCRL inositol polyphosphate-5-phosphatase; plus strand). Cytogenetic location: Xq26.1.
Variant type: single nucleotide variant.
Coding change: c.809A>G on transcript NM_000276.4 (MANE Select); coding-DNA position 809, A replaced by G.
Protein change: p.Asp270Gly; replaces aspartic acid 270 with glycine.
Molecular consequence: missense variant.
Genome position (GRCh38, 1-based): chrX:129,560,636, A>G. VCF-style: chrX-129560636-A-G. GRCh37 (hg19) VCF-style: chrX-128694613-A-G.
Other names: c.812A>G, p.Asp271Gly (NM_001318784.2); c.809A>G, p.Asp270Gly (NM_001587.4); short protein forms D270G, D271G.
Identifiers: ClinVar variation 840219 (VCV000840219.9), dbSNP rs1936133194, ClinGen allele CA414552109.

ClinVar aggregate classification (germline): Uncertain significance (1 of 4 stars; one submission).

Conditions:
Lowe syndrome (OCRL). Also called: Oculocerebrorenal Syndrome; LOWE OCULOCEREBRORENAL SYNDROME; PHOSPHATIDYLINOSITOL 4,5-BISPHOSPHATE 5-PHOSPHATASE DEFICIENCY. Identifiers: Orphanet 534, MedGen C0028860, MONDO:0010645, OMIM 309000.

Submission:

Labcorp Genetics (formerly Invitae), Labcorp
Classification: Uncertain significance for Lowe syndrome. Last evaluated: 2019-12-11. Review status: criteria provided, single submitter. Criteria: Invitae Variant Classification Sherloc (09022015). Collection method: clinical testing. Allele origin: germline.
Comment: In summary, the available evidence is currently insufficient to determine the role of this variant in disease. Therefore, it has been classified as a Variant of Uncertain Significance. Algorithms developed to predict the effect of sequence changes on RNA splicing suggest that this variant may create or strengthen a splice site, but this prediction has not been confirmed by published transcriptional studies. Algorithms developed to predict the effect of missense changes on protein structure and function are either unavailable or do not agree on the potential impact of this missense change (SIFT: "Deleterious"; PolyPhen-2: "Probably Damaging"; Align-GVGD: "Class C0"). This variant has not been reported in the literature in individuals with OCRL-related conditions. This variant is not present in population databases (ExAC no frequency). This sequence change replaces aspartic acid with glycine at codon 270 of the OCRL protein (p.Asp270Gly). The aspartic acid residue is highly conserved and there is a moderate physicochemical difference between aspartic acid and glycine.